The following is an entry in ClinVar:

ClinVar aggregate classification (germline): Uncertain significance (1 of 4 stars; one submission).

Conditions:
Developmental and epileptic encephalopathy, 1 (DEE1). Also called: X-linked infantile spasms; West's syndrome; Tonic spasms with clustering, arrest of psychomotor development and hypsarrhythmia on EEG; X-Linked Infantile Spasm Syndrome; OHTAHARA SYNDROME, X-LINKED; INFANTILE SPASM SYNDROME, X-LINKED 1. Identifiers: MedGen C3463992, MONDO:0010632, OMIM 308350. Disease mechanism: loss of function.
Intellectual disability, X-linked, with or without seizures, ARX-related. Also called: MENTAL RETARDATION, X-LINKED 29; MENTAL RETARDATION, X-LINKED 32; MENTAL RETARDATION, X-LINKED 33; MENTAL RETARDATION, X-LINKED 38; MENTAL RETARDATION, X-LINKED 43; MENTAL RETARDATION, X-LINKED 76. Identifiers: Orphanet 777, MedGen C0796244, MONDO:0010317, OMIM 300419.

Submission:

Labcorp Genetics (formerly Invitae), Labcorp
Classification: Uncertain significance for Developmental and epileptic encephalopathy, 1; Intellectual disability, X-linked, with or without seizures, ARX-related. Last evaluated: 2021-11-25. Review status: criteria provided, single submitter. Criteria: Invitae Variant Classification Sherloc (09022015). Collection method: clinical testing. Allele origin: germline.
Comment: This sequence change replaces proline, which is neutral and non-polar, with alanine, which is neutral and non-polar, at codon 421 of the ARX protein (p.Pro421Ala). This variant is not present in population databases (gnomAD no frequency). This variant has not been reported in the literature in individuals affected with ARX-related conditions. Advanced modeling of protein sequence and biophysical properties (such as structural, functional, and spatial information, amino acid conservation, physicochemical variation, residue mobility, and thermodynamic stability) performed at Invitae indicates that this missense variant is expected to disrupt ARX protein function. In summary, the available evidence is currently insufficient to determine the role of this variant in disease. Therefore, it has been classified as a Variant of Uncertain Significance.

NM_139058.3(ARX):c.1261C>G (p.Pro421Ala)

Gene: ARX (aristaless related homeobox; minus strand). Cytogenetic location: Xp21.3.
Variant type: single nucleotide variant.
Coding change: c.1261C>G on transcript NM_139058.3 (MANE Select); coding-DNA position 1261, C replaced by G.
Protein change: p.Pro421Ala; replaces proline 421 with alanine.
Molecular consequence: missense variant.
Genome position (GRCh38, 1-based): chrX:25,007,298, G>C on the plus strand (C>G on the coding strand, the complement: ARX is on the minus strand). VCF-style: chrX-25007298-G-C. GRCh37 (hg19) VCF-style: chrX-25025415-G-C.
Other names: short protein forms P421A.
Identifiers: ClinVar variation 1495755 (VCV001495755.3), dbSNP rs1417254985, ClinGen allele CA412611387.